The following is an entry in ClinVar:

NM_001830.4(CLCN4):c.872T>C (p.Leu291Ser)

Gene: CLCN4 (Cl-/H+ antiporter 4; plus strand). Cytogenetic location: Xp22.2.
Variant type: single nucleotide variant.
Coding change: c.872T>C on transcript NM_001830.4 (MANE Select); coding-DNA position 872, T replaced by C.
Protein change: p.Leu291Ser; replaces leucine 291 with serine.
Molecular consequence: missense variant.
Genome position (GRCh38, 1-based): chrX:10,208,073, T>C. VCF-style: chrX-10208073-T-C. GRCh37 (hg19) VCF-style: chrX-10176113-T-C.
Other names: c.590T>C, p.Leu197Ser (NM_001256944.2); short protein forms L197S, L291S.
Identifiers: ClinVar variation 3901903 (VCV003901903.1).

ClinVar aggregate classification (germline): Uncertain significance (1 of 4 stars; one submission).

Conditions:
Intellectual disability, X-linked 49 (MRXSRC). Also called: CLCN4-related X-linked intellectual disability syndrome; RAYNAUD-CLAES SYNDROME; MENTAL RETARDATION, X-LINKED 15; MRX49; CLCN4-Related Neurodevelopmental Disorder. Identifiers: Orphanet 485350, Orphanet 777, MedGen C0796221, MONDO:0010250, OMIM 300114.

Submission:

Laboratorio de Genetica e Diagnostico Molecular, Hospital Israelita Albert Einstein
Classification: Uncertain significance for Intellectual disability, X-linked 49. Last evaluated: 2024-04-11. Review status: criteria provided, single submitter. Criteria: ACMG Guidelines, 2015. Collection method: clinical testing. Allele origin: germline. Affected: yes.
Comment: ACMG classification criteria: PM2 supporting, PP3 supporting